The following is an entry in ClinVar:

ClinVar aggregate classification (germline): Uncertain significance (1 of 4 stars; one submission).

Submission:

Labcorp Genetics (formerly Invitae), Labcorp
Classification: Uncertain significance. Last evaluated: 2021-01-12. Review status: criteria provided, single submitter. Criteria: Invitae Variant Classification Sherloc (09022015). Collection method: clinical testing. Allele origin: germline.
Comment: In summary, the available evidence is currently insufficient to determine the role of this variant in disease. Therefore, it has been classified as a Variant of Uncertain Significance. Algorithms developed to predict the effect of missense changes on protein structure and function are either unavailable or do not agree on the potential impact of this missense change (SIFT: "Deleterious"; PolyPhen-2: "Not Available"; Align-GVGD: "Class C0"). This variant has not been reported in the literature in individuals with PCLO-related conditions. This variant is not present in population databases (ExAC no frequency). This sequence change replaces aspartic acid with glycine at codon 4387 of the PCLO protein (p.Asp4387Gly). The aspartic acid residue is moderately conserved and there is a moderate physicochemical difference between aspartic acid and glycine.

NM_033026.6(PCLO):c.13160A>G (p.Asp4387Gly)

Gene: PCLO (piccolo presynaptic cytomatrix protein; minus strand). Cytogenetic location: 7q21.11.
Variant type: single nucleotide variant.
Coding change: c.13160A>G on transcript NM_033026.6 (MANE Select); coding-DNA position 13160, A replaced by G.
Protein change: p.Asp4387Gly; replaces aspartic acid 4387 with glycine.
Molecular consequence: missense variant.
Genome position (GRCh38, 1-based): chr7:82,914,826, T>C on the plus strand (A>G on the coding strand, the complement: PCLO is on the minus strand). VCF-style: chr7-82914826-T-C. GRCh37 (hg19) VCF-style: chr7-82544142-T-C.
Other names: c.13160A>G, p.Asp4387Gly (NM_014510.3); short protein forms D4387G.
Identifiers: ClinVar variation 1435787 (VCV001435787.8), dbSNP rs2116259882, ClinGen allele CA367883770.